The following is an entry in ClinVar:

NM_004336.5(BUB1):c.2630C>T (p.Ala877Val)

Gene: BUB1 (BUB1 mitotic checkpoint serine/threonine kinase; minus strand). Cytogenetic location: 2q13.
Variant type: single nucleotide variant.
Coding change: c.2630C>T on transcript NM_004336.5 (MANE Select); coding-DNA position 2630, C replaced by T.
Protein change: p.Ala877Val; replaces alanine 877 with valine.
Molecular consequence: missense variant. On other transcripts: intron variant (1).
Genome position (GRCh38, 1-based): chr2:110,641,460, G>A on the plus strand (C>T on the coding strand, the complement: BUB1 is on the minus strand). VCF-style: chr2-110641460-G-A. GRCh37 (hg19) VCF-style: chr2-111399037-G-A.
Other names: c.2570C>T, p.Ala857Val (NM_001278616.2); c.2625+182C>T (NM_001278617.2); short protein forms A857V, A877V.
Identifiers: ClinVar variation 3262169 (VCV003262169.1).

ClinVar aggregate classification (germline): Uncertain significance (1 of 4 stars; one submission).

gnomAD v4.1: 1 of 1,605,152 alleles (0.000062%); highest among the groups gnomAD compares: Non-Finnish European, 0.000085%; no homozygotes.

Submission:

Ambry Genetics
Classification: Uncertain significance. Last evaluated: 2024-06-06. Review status: criteria provided, single submitter. Criteria: Ambry Variant Classification Scheme 2023. Collection method: clinical testing. Allele origin: germline.
Comment: The p.A877V variant (also known as c.2630C>T), located in coding exon 22 of the BUB1 gene, results from a C to T substitution at nucleotide position 2630. The alanine at codon 877 is replaced by valine, an amino acid with similar properties. This amino acid position is conserved. In addition, this alteration is predicted to be tolerated by in silico analysis. Based on the available evidence, the clinical significance of this variant remains unclear.